The following is an entry in ClinVar:

ClinVar aggregate classification (germline): Likely benign. Review status: criteria provided, multiple submitters, no conflicts (2 of 4 stars). 2 submissions from 2 submitters: Likely benign (2). Last evaluated 2026-08-14.

Conditions:
HSD17B4-related disorder. Also called: HSD17B4-related condition; HSD17B4-related disorders.
Perrault syndrome. Also called: Gonadal dysgenesis with auditory dysfunction, autosomal recessive inheritance. Identifiers: Orphanet 2855, MedGen C0685838, MONDO:0017312.
Bifunctional peroxisomal enzyme deficiency (DBIF). Also called: DBP DEFICIENCY; D-bifunctional protein deficiency; PBFE DEFICIENCY. Identifiers: Orphanet 300, MedGen C0342870, MONDO:0009855, OMIM 261515. Disease mechanism: loss of function.

Allele frequency attached by ClinVar (database versions not stated): gnomAD exomes below 0.00001; ExAC 0.00001.
gnomAD v4.1: 4 of 1,613,434 alleles (0.00025%); highest among the groups gnomAD compares: South Asian, 0.0044%; no homozygotes.

Submissions (2):

PreventionGenetics, part of Exact Sciences
Classification: Likely benign for HSD17B4-related condition. Last evaluated: 2026-08-14. Review status: criteria provided, single submitter. Criteria: ACMG Guidelines, 2015. Collection method: clinical testing. Allele origin: germline.
Comment: This variant is classified as likely benign based on ACMG/AMP sequence variant interpretation guidelines (Richards et al. 2015 PMID: 25741868, with internal and published modifications).

Labcorp Genetics (formerly Invitae), Labcorp
Classification: Likely benign for Perrault syndrome; Bifunctional peroxisomal enzyme deficiency. Last evaluated: 2023-02-15. Review status: criteria provided, single submitter. Criteria: Invitae Variant Classification Sherloc (09022015). Collection method: clinical testing. Allele origin: germline.

NM_000414.4(HSD17B4):c.519C>T (p.Gly173=)

Gene: HSD17B4 (hydroxysteroid 17-beta dehydrogenase 4; plus strand). Cytogenetic location: 5q23.1.
Variant type: single nucleotide variant.
Coding change: c.519C>T on transcript NM_000414.4 (MANE Select); coding-DNA position 519, C replaced by T.
Protein change: p.Gly173=; no amino-acid change (glycine 173 retained).
Molecular consequence: synonymous variant. On other transcripts: non-coding transcript variant (2).
Genome position (GRCh38, 1-based): chr5:119,478,918, C>T. VCF-style: chr5-119478918-C-T. GRCh37 (hg19) VCF-style: chr5-118814613-C-T.
Other names: c.519C>T (NM_000414.3); c.594C>T, p.Gly198= (NM_001199291.3); c.465C>T, p.Gly155= (NM_001199292.2); c.447C>T, p.Gly149= (NM_001292027.2); c.99C>T, p.Gly33= (NM_001292028.2); c.510C>T, p.Gly170= (NM_001374497.1); c.519C>T, p.Gly173= (NM_001374498.1); c.192C>T, p.Gly64= (NM_001374499.1); and 2 more.
Identifiers: ClinVar variation 1089083 (VCV001089083.10), dbSNP rs770301555, ClinGen allele CA3381870.
Genomic context (GRCh38, chr5:119,478,918, plus strand): 5'-AGGAATATATGGCAACTTTGGCCAGGCCAATTATAGTGCTGCAAAGTTGGGTCTTCTGGG[C>T]CTTGCAAATTCTCTTGCAATTGAAGGCAGGAAAAGCAACATTCATTGTAACACCATTGCT-3'
Protein context (NP_000405.1, residues 163-183): NYSAAKLGLL[Gly173=]LANSLAIEGR